The following is an entry in ClinVar:

ClinVar aggregate classification (germline): Uncertain significance (1 of 4 stars; one submission).

Conditions:
Amyotrophic lateral sclerosis type 4 (ALS4). Also called: AMYOTROPHIC LATERAL SCLEROSIS 4, JUVENILE; NEURONOPATHY, DISTAL HEREDITARY MOTOR, WITH PYRAMIDAL FEATURES. Identifiers: Orphanet 357043, MedGen C1865409, MONDO:0011223, OMIM 602433.

Allele frequency attached by ClinVar (database versions not stated): gnomAD exomes below 0.00001.
gnomAD v4.1: 3 of 1,614,156 alleles (0.00019%); highest among the groups gnomAD compares: South Asian, 0.0022%; no homozygotes.

Submission:

Neuberg Centre For Genomic Medicine, NCGM
Classification: Uncertain significance for Amyotrophic lateral sclerosis type 4. Review status: criteria provided, single submitter. Criteria: ACMG Guidelines, 2015. Collection method: clinical testing. Allele origin: germline. Inheritance: Autosomal dominant inheritance. Affected: yes.
Comment: The missense c.3734C>Tp.Thr1245Ile variant in SETX gene has not been reported previously as a pathogenic variant nor a benign variant, to our knowledge. The p.Thr1245Ile variant has been reported with allele frequency of 0.0008% in gnomAD Exomes and is novel not in any individuals in 1000 Genomes. This variant has not been reported to the ClinVar database. The amino acid change p.Thr1245Ile in SETX is predicted as conserved by GERP++ and PhyloP across 100 vertebrates. The amino acid Thr at position 1245 is changed to a Ile changing protein sequence and it might alter its composition and physico-chemical properties. For these reasons, this variant has been classified as a Variant of Uncertain Significance VUS.

NM_015046.7(SETX):c.3734C>T (p.Thr1245Ile)

Gene: SETX (senataxin; minus strand). Cytogenetic location: 9q34.13.
Variant type: single nucleotide variant.
Coding change: c.3734C>T on transcript NM_015046.7 (MANE Select); coding-DNA position 3734, C replaced by T.
Protein change: p.Thr1245Ile; replaces threonine 1245 with isoleucine.
Molecular consequence: missense variant.
Genome position (GRCh38, 1-based): chr9:132,327,864, G>A on the plus strand (C>T on the coding strand, the complement: SETX is on the minus strand). VCF-style: chr9-132327864-G-A. GRCh37 (hg19) VCF-style: chr9-135203251-G-A.
Other names: c.3734C>T, p.Thr1245Ile (NM_001351527.2, NM_001351528.2); short protein forms T1245I.
Identifiers: ClinVar variation 3234885 (VCV003234885.1), dbSNP rs1338187617, ClinGen allele CA375328485.